The following is an entry in ClinVar:

ClinVar aggregate classification (germline): Uncertain significance (1 of 4 stars; one submission).

Submission:

Labcorp Genetics (formerly Invitae), Labcorp
Classification: Uncertain significance. Last evaluated: 2022-08-22. Review status: criteria provided, single submitter. Criteria: Invitae Variant Classification Sherloc (09022015). Collection method: clinical testing. Allele origin: germline.
Comment: In summary, the available evidence is currently insufficient to determine the role of this variant in disease. Therefore, it has been classified as a Variant of Uncertain Significance. Advanced modeling of protein sequence and biophysical properties (such as structural, functional, and spatial information, amino acid conservation, physicochemical variation, residue mobility, and thermodynamic stability) performed at Invitae indicates that this missense variant is not expected to disrupt DCHS1 protein function. This variant has not been reported in the literature in individuals affected with DCHS1-related conditions. This variant is not present in population databases (gnomAD no frequency). This sequence change replaces arginine, which is basic and polar, with proline, which is neutral and non-polar, at codon 751 of the DCHS1 protein (p.Arg751Pro).

NM_003737.4(DCHS1):c.2252G>C (p.Arg751Pro)

Gene: DCHS1 (dachsous cadherin-related 1; minus strand). Cytogenetic location: 11p15.4.
Variant type: single nucleotide variant.
Coding change: c.2252G>C on transcript NM_003737.4 (MANE Select); coding-DNA position 2252, G replaced by C.
Protein change: p.Arg751Pro; replaces arginine 751 with proline.
Molecular consequence: missense variant.
Genome position (GRCh38, 1-based): chr11:6,633,615, C>G on the plus strand (G>C on the coding strand, the complement: DCHS1 is on the minus strand). VCF-style: chr11-6633615-C-G. GRCh37 (hg19) VCF-style: chr11-6654846-C-G.
Other names: short protein forms R751P.
Identifiers: ClinVar variation 1717635 (VCV001717635.5), dbSNP rs774036164, ClinGen allele CA379422774.